The following is an entry in ClinVar:

NM_000038.6(APC):c.7278A>G (p.Gly2426=)

Gene: APC (APC regulator of Wnt signaling pathway; plus strand). Cytogenetic location: 5q22.2.
Variant type: single nucleotide variant.
Coding change: c.7278A>G on transcript NM_000038.6 (MANE Select); coding-DNA position 7278, A replaced by G.
Protein change: p.Gly2426=; no amino-acid change (glycine 2426 retained).
Molecular consequence: synonymous variant.
Genome position (GRCh38, 1-based): chr5:112,842,872, A>G. VCF-style: chr5-112842872-A-G. GRCh37 (hg19) VCF-style: chr5-112178569-A-G.
Other names: c.7278A>G, p.Gly2426= (NM_001127510.3, NM_001354895.2); c.7224A>G, p.Gly2408= (NM_001127511.3); c.7332A>G, p.Gly2444= (NM_001354896.2); c.7308A>G, p.Gly2436= (NM_001354897.2); c.7203A>G, p.Gly2401= (NM_001354898.2); c.7194A>G, p.Gly2398= (NM_001354899.2); c.7155A>G, p.Gly2385= (NM_001354900.2); c.7101A>G, p.Gly2367= (NM_001354901.2); and 5 more.
Identifiers: ClinVar variation 231312 (VCV000231312.23), dbSNP rs756770951, ClinGen allele CA047480.

ClinVar aggregate classification (germline): Benign/Likely benign. Review status: criteria provided, multiple submitters, no conflicts (2 of 4 stars). 8 submissions from 8 submitters: Benign (1); Likely benign (7). Last evaluated 2026-01-11.

Conditions:
Familial adenomatous polyposis 1 (FAP1). Also called: FAMILIAL ADENOMATOUS POLYPOSIS 1, ATTENUATED; POLYPOSIS, ADENOMATOUS INTESTINAL. Identifiers: MedGen C2713442, MONDO:0021056, OMIM 175100. Disease mechanism: loss of function.
Hereditary cancer-predisposing syndrome. Also called: Neoplastic Syndromes, Hereditary; Tumor predisposition; Hereditary Cancer Syndrome; Hereditary neoplastic syndrome. Identifiers: Orphanet 140162, MedGen C0027672, MeSH D009386, MONDO:0015356.
Classic or attenuated familial adenomatous polyposis. Identifiers: MedGen CN372698, MONDO:0021057.

Allele frequency attached by ClinVar (database versions not stated): gnomAD exomes below 0.00001 and 0.00001; ExAC 0.00001; gnomAD 0.00003; TOPMed 0.00003.
gnomAD v4.1: 8 of 1,613,920 alleles (0.0005%); highest among the groups gnomAD compares: African/African-American, 0.0067%; no homozygotes.

Submissions (8):

Labcorp Genetics (formerly Invitae), Labcorp
Classification: Likely benign for Familial adenomatous polyposis 1. Last evaluated: 2026-01-11. Review status: criteria provided, single submitter. Criteria: Invitae Variant Classification Sherloc (09022015). Collection method: clinical testing. Allele origin: germline.

Myriad Genetics, Inc.
Classification: Benign for Familial adenomatous polyposis 1. Last evaluated: 2024-04-09. Review status: criteria provided, single submitter. Criteria: Myriad Autosomal Dominant, Autosomal Recessive and X-Linked Classification Criteria (2023). Collection method: clinical testing. Allele origin: unknown.
Comment: This variant is considered benign. This variant is a silent/synonymous amino acid change and it is not expected to impact splicing.

All of Us Research Program, National Institutes of Health
Classification: Likely benign for Classic or attenuated familial adenomatous polyposis. Last evaluated: 2023-11-20. Review status: criteria provided, single submitter. Criteria: ACMG Guidelines, 2015. Collection method: clinical testing. Allele origin: germline. Inheritance: Autosomal dominant inheritance. Observed: 3 variant alleles, 3 heterozygotes.
Comment: This study involves interpretation of variants in research participants for the purpose of population health screening. Participant phenotype was not available at the time of variant classification. Additional details can be found in publication PMID: 35346344, PMCID: PMC8962531

Quest Diagnostics Nichols Institute San Juan Capistrano
Classification: Likely benign. Last evaluated: 2022-09-29. Review status: criteria provided, single submitter. Criteria: Quest Diagnostics criteria. Collection method: clinical testing. Allele origin: unknown.

Women's Health and Genetics/Laboratory Corporation of America, LabCorp
Classification: Likely benign. Last evaluated: 2021-06-05. Review status: criteria provided, single submitter. Criteria: LabCorp Variant Classification Summary - May 2015. Collection method: clinical testing. Allele origin: germline.

GeneDx
Classification: Likely benign. Last evaluated: 2019-11-20. Review status: criteria provided, single submitter. Criteria: GeneDx Variant Classification Process June 2021. Collection method: clinical testing. Allele origin: germline. Affected: yes.

Color Diagnostics, LLC DBA Color Health
Classification: Likely benign for Hereditary cancer-predisposing syndrome. Last evaluated: 2019-02-04. Review status: criteria provided, single submitter. Criteria: ACMG Guidelines, 2015. Collection method: clinical testing. Allele origin: germline.

Ambry Genetics
Classification: Likely benign for Hereditary cancer-predisposing syndrome. Last evaluated: 2015-04-17. Review status: criteria provided, single submitter. Criteria: Ambry Variant Classification Scheme 2023. Collection method: clinical testing. Allele origin: germline.